The following is an entry in ClinVar:

NM_020529.3(NFKBIA):c.209T>C (p.Leu70Pro)

Gene: NFKBIA (NFKB inhibitor alpha; minus strand). Cytogenetic location: 14q13.2.
Variant type: single nucleotide variant.
Coding change: c.209T>C on transcript NM_020529.3 (MANE Select); coding-DNA position 209, T replaced by C.
Protein change: p.Leu70Pro; replaces leucine 70 with proline.
Molecular consequence: missense variant.
Genome position (GRCh38, 1-based): chr14:35,404,436, A>G on the plus strand (T>C on the coding strand, the complement: NFKBIA is on the minus strand). VCF-style: chr14-35404436-A-G. GRCh37 (hg19) VCF-style: chr14-35873642-A-G.
Other names: short protein forms L70P.
Identifiers: ClinVar variation 844597 (VCV000844597.10), dbSNP rs2052766731, ClinGen allele CA389454895.

ClinVar aggregate classification (germline): Uncertain significance (1 of 4 stars; one submission).

Conditions:
Ectodermal dysplasia and immunodeficiency 2. Identifiers: Orphanet 238468, Orphanet 98813, MedGen C2677481, MONDO:0012806, OMIM 612132.

Allele frequency attached by ClinVar (database versions not stated): gnomAD exomes below 0.00001.

Submission:

Labcorp Genetics (formerly Invitae), Labcorp
Classification: Uncertain significance for Ectodermal dysplasia and immunodeficiency 2. Last evaluated: 2019-06-04. Review status: criteria provided, single submitter. Criteria: Invitae Variant Classification Sherloc (09022015). Collection method: clinical testing. Allele origin: germline.
Comment: This variant has not been reported in the literature in individuals with NFKBIA-related conditions. In summary, the available evidence is currently insufficient to determine the role of this variant in disease. Therefore, it has been classified as a Variant of Uncertain Significance. Algorithms developed to predict the effect of missense changes on protein structure and function are either unavailable or do not agree on the potential impact of this missense change (SIFT: "Tolerated"; PolyPhen-2: "Possibly Damaging"; Align-GVGD: "Class C0"). This variant is not present in population databases (ExAC no frequency). This sequence change replaces leucine with proline at codon 70 of the NFKBIA protein (p.Leu70Pro). The leucine residue is moderately conserved and there is a moderate physicochemical difference between leucine and proline.